The following is an entry in ClinVar:

ClinVar aggregate classification (germline): Conflicting classifications of pathogenicity. Review status: criteria provided, conflicting classifications (1 of 4 stars). 5 submissions from 5 submitters: Uncertain significance (3); Benign (2). Last evaluated 2026-03-17.

Conditions:
Hereditary cancer-predisposing syndrome. Also called: Hereditary Cancer Syndrome; Tumor predisposition; Hereditary neoplastic syndrome; Neoplastic Syndromes, Hereditary. Identifiers: Orphanet 140162, MedGen C0027672, MeSH D009386, MONDO:0015356.
Cardiovascular phenotype. Identifiers: MedGen CN230736.
Juvenile myelomonocytic leukemia (JMML). Also called: LEUKEMIA, JUVENILE MYELOMONOCYTIC, SOMATIC. Identifiers: Orphanet 86834, MedGen C0349639, MONDO:0011908, OMIM 607785, HP:0012209.
Neurofibromatosis-Noonan syndrome (NFNS). Also called: NEUROFIBROMATOSIS WITH NOONAN PHENOTYPE. Identifiers: Orphanet 638, MedGen C2931482, MONDO:0011035, OMIM 601321. Disease mechanism: loss of function.
Café-au-lait macules with pulmonary stenosis (WTSN). Also called: PULMONIC STENOSIS WITH CAFE-AU-LAIT SPOTS. Identifiers: MedGen C0553586, MONDO:0008672, OMIM 193520.
Neurofibromatosis, type 1 (NF1). Also called: VON RECKLINGHAUSEN DISEASE; NEUROFIBROMATOSIS, TYPE I, SOMATIC; Peripheral type neurofibromatosis; Neurofibromatosis, type I. Identifiers: Orphanet 636, MedGen C0027831, MONDO:0018975, OMIM 162200. Disease mechanism: loss of function.
Neurofibromatosis, familial spinal (FSNF). Identifiers: Orphanet 636, MedGen C1834235, MONDO:0008078, OMIM 162210. Disease mechanism: loss of function.

Allele frequency attached by ClinVar (database versions not stated): gnomAD exomes 0.00001; ExAC 0.00001; gnomAD 0.00001; TOPMed 0.00001.
gnomAD v4.1: 10 of 1,613,806 alleles (0.00062%); highest among the groups gnomAD compares: Non-Finnish European, 0.00085%; no homozygotes.

Submissions (5):

Ambry Genetics
Classification: Benign for Cardiovascular phenotype; Hereditary cancer-predisposing syndrome. Last evaluated: 2026-03-17. Review status: criteria provided, single submitter. Criteria: Ambry Variant Classification Scheme 2023. Collection method: clinical testing. Allele origin: germline.

Labcorp Genetics (formerly Invitae), Labcorp
Classification: Benign for Neurofibromatosis, type 1. Last evaluated: 2025-10-13. Review status: criteria provided, single submitter. Criteria: Invitae Variant Classification Sherloc (09022015). Collection method: clinical testing. Allele origin: germline.

Genome-Nilou Lab
Classification: Uncertain significance for Neurofibromatosis, type 1. Last evaluated: 2022-03-15. Review status: criteria provided, single submitter. Criteria: ACMG Guidelines, 2015. Collection method: clinical testing. Allele origin: germline. Affected: no.

Genetic Services Laboratory, University of Chicago
Classification: Uncertain significance. Last evaluated: 2020-04-22. Review status: criteria provided, single submitter. Criteria: ACMG Guidelines, 2015. Collection method: clinical testing. Allele origin: germline. Affected: no.
Comment: DNA sequence analysis of the NF1 gene demonstrated a sequence change, c.3359T>C, in exon 26 that results in an amino acid change, p.Val1120Ala. This sequence change does not appear to have been previously described in patients with NF1-related disorders and has been described in the gnomAD database with a low population frequency of 0.0014% (dbSNP rs751571517). The p.Val1120Ala change affects a moderately conserved amino acid residue located in a domain of the NF1 protein that is known to be functional. The p.Val1120Ala substitution appears to be possibly benign using several in-silico pathogenicity prediction tools (SIFT, PolyPhen2, Align GVGD, REVEL). Due to these contrasting evidences and the lack of functional studies, the clinical significance of the p.Val1120Ala change remains unknown at this time.

Fulgent Genetics
Classification: Uncertain significance for Neurofibromatosis, type 1; Neurofibromatosis, familial spinal; Café-au-lait macules with pulmonary stenosis; Neurofibromatosis-Noonan syndrome; Juvenile myelomonocytic leukemia. Last evaluated: 2018-10-31. Review status: criteria provided, single submitter. Criteria: ACMG Guidelines, 2015. Collection method: clinical testing. Allele origin: unknown.

NM_001042492.3(NF1):c.3359T>C (p.Val1120Ala)

Gene: NF1 (neurofibromin 1; plus strand). Cytogenetic location: 17q11.2.
Variant type: single nucleotide variant.
Coding change: c.3359T>C on transcript NM_001042492.3 (MANE Select); coding-DNA position 3359, T replaced by C.
Protein change: p.Val1120Ala; replaces valine 1120 with alanine.
Molecular consequence: missense variant.
Genome position (GRCh38, 1-based): chr17:31,232,744, T>C. VCF-style: chr17-31232744-T-C. GRCh37 (hg19) VCF-style: chr17-29559762-T-C.
Other names: c.3359T>C, p.Val1120Ala (NM_000267.4); short protein forms V1120A.
Identifiers: ClinVar variation 457642 (VCV000457642.21), dbSNP rs751571517, ClinGen allele CA8486157.